The following is an entry in ClinVar:

NM_000435.3(NOTCH3):c.1533C>G (p.Cys511Trp)

Gene: NOTCH3 (notch receptor 3; minus strand). Cytogenetic location: 19p13.12.
Variant type: single nucleotide variant.
Coding change: c.1533C>G on transcript NM_000435.3 (MANE Select); coding-DNA position 1533, C replaced by G.
Protein change: p.Cys511Trp; replaces cysteine 511 with tryptophan.
Molecular consequence: missense variant.
Genome position (GRCh38, 1-based): chr19:15,187,954, G>C on the plus strand (C>G on the coding strand, the complement: NOTCH3 is on the minus strand). VCF-style: chr19-15187954-G-C. GRCh37 (hg19) VCF-style: chr19-15298765-G-C.
Other names: short protein forms C511W.
Identifiers: ClinVar variation 1807381 (VCV001807381.1), dbSNP rs1295357202, ClinGen allele CA404526496.

ClinVar aggregate classification (germline): Pathogenic (1 of 4 stars; one submission).

Submission:

Athena Diagnostics
Classification: Pathogenic. Last evaluated: 2022-08-12. Review status: criteria provided, single submitter. Criteria: Athena Diagnostics Criteria. Collection method: clinical testing. Allele origin: unknown.
Comment: This variant has been identified in at least one individual with clinical features of CADASIL. This variant has not been reported in large, multi-ethnic general populations. This variant alters a critical location within the protein, and is expected to severely affect function and cause disease. Greater than 90% of pathogenic variants identified in NOTCH3 involve the gain or loss of a cysteine residue within the epidermal growth factor (EGF)-like repeat domain.